The following is an entry in ClinVar:

ClinVar aggregate classification (germline): Uncertain significance. Review status: criteria provided, multiple submitters, no conflicts (2 of 4 stars). 2 submissions from 2 submitters: Uncertain significance (2). Last evaluated 2025-07-02.

Conditions:
Hereditary cancer-predisposing syndrome. Also called: Hereditary Cancer Syndrome; Tumor predisposition; Neoplastic Syndromes, Hereditary; Hereditary neoplastic syndrome. Identifiers: Orphanet 140162, MedGen C0027672, MeSH D009386, MONDO:0015356.
Gorlin syndrome. Also called: Basal cell nevus syndrome; Nevoid Basal Cell Carcinoma Syndrome. Identifiers: Orphanet 377, MedGen C0004779, MONDO:0007187.

gnomAD v4.1: 1 of 1,614,114 alleles (0.000062%); highest among the groups gnomAD compares: Non-Finnish European, 0.000085%; no homozygotes.

Submissions (2):

Ambry Genetics
Classification: Uncertain significance for Hereditary cancer-predisposing syndrome. Last evaluated: 2025-07-02. Review status: criteria provided, single submitter. Criteria: Ambry Variant Classification Scheme 2023. Collection method: clinical testing. Allele origin: germline.

Labcorp Genetics (formerly Invitae), Labcorp
Classification: Uncertain significance for Gorlin syndrome. Last evaluated: 2023-10-16. Review status: criteria provided, single submitter. Criteria: Invitae Variant Classification Sherloc (09022015). Collection method: clinical testing. Allele origin: germline.
Comment: This sequence change replaces histidine, which is basic and polar, with asparagine, which is neutral and polar, at codon 634 of the PTCH1 protein (p.His634Asn). This variant is not present in population databases (gnomAD no frequency). This variant has not been reported in the literature in individuals affected with PTCH1-related conditions. ClinVar contains an entry for this variant (Variation ID: 652163). Advanced modeling of protein sequence and biophysical properties (such as structural, functional, and spatial information, amino acid conservation, physicochemical variation, residue mobility, and thermodynamic stability) performed at Invitae indicates that this missense variant is not expected to disrupt PTCH1 protein function. In summary, the available evidence is currently insufficient to determine the role of this variant in disease. Therefore, it has been classified as a Variant of Uncertain Significance.

NM_000264.5(PTCH1):c.1900C>A (p.His634Asn)

Genes: PTCH1 (patched 1; minus strand), LOC100507346 (uncharacterized LOC100507346; plus strand). Cytogenetic location: 9q22.32.
Variant type: single nucleotide variant.
Coding change: c.1900C>A on transcript NM_000264.5 (MANE Select); coding-DNA position 1900, C replaced by A.
Protein change: p.His634Asn; replaces histidine 634 with asparagine.
Molecular consequence: missense variant. On other transcripts: non-coding transcript variant (2).
Genome position (GRCh38, 1-based): chr9:95,469,101, G>T on the plus strand (C>A on the coding strand, the complement: PTCH1 is on the minus strand). VCF-style: chr9-95469101-G-T. GRCh37 (hg19) VCF-style: chr9-98231383-G-T.
Other names: c.1702C>A, p.His568Asn (NM_001083602.3); c.1897C>A, p.His633Asn (NM_001083603.3); c.1447C>A, p.His483Asn (NM_001083604.3, NM_001083605.3, NM_001083606.3 and 1 more transcripts); c.1744C>A, p.His582Asn (NM_001354918.2); short protein forms H568N, H582N, H483N, H633N, H634N.
Identifiers: ClinVar variation 652163 (VCV000652163.12), dbSNP rs764218645, ClinGen allele CA374116086.